The following is an entry in ClinVar:

ClinVar aggregate classification (germline): Pathogenic (1 of 4 stars; one submission).

Submission:

GeneDx
Classification: Pathogenic. Last evaluated: 2024-05-29. Review status: criteria provided, single submitter. Criteria: GeneDx Variant Classification Process June 2021. Collection method: clinical testing. Allele origin: germline. Affected: yes.
Comment: Nonsense variant predicted to result in protein truncation or nonsense mediated decay in a gene for which loss of function is a known mechanism of disease; Not observed at significant frequency in large population cohorts (gnomAD); Has not been previously published as pathogenic or benign to our knowledge

NM_004380.3(CREBBP):c.22G>T (p.Gly8Ter)

Gene: CREBBP (CREB binding protein; minus strand). Cytogenetic location: 16p13.3.
Variant type: single nucleotide variant.
Coding change: c.22G>T on transcript NM_004380.3 (MANE Select); coding-DNA position 22, G replaced by T.
Protein change: p.Gly8Ter; replaces glycine 8 with a stop codon.
Molecular consequence: nonsense.
Genome position (GRCh38, 1-based): chr16:3,879,895, C>A on the plus strand (G>T on the coding strand, the complement: CREBBP is on the minus strand). VCF-style: chr16-3879895-C-A. GRCh37 (hg19) VCF-style: chr16-3929896-C-A.
Other names: c.22G>T, p.Gly8Ter (NM_001079846.1); short protein forms G8*.
Identifiers: ClinVar variation 3383498 (VCV003383498.1).
Genomic context (GRCh38, chr16:3,879,895, plus strand): 5'-TGCTGTCATTCGCCGAGAAACCGGGCGAGCTGAGTTTGGCTCTTTTGGGGTTGGGCGGTC[C>A]GTCCAGCAAGTTCTCAGCCATTTTCACCTGCTCGCGAAAACAGCCCCGGGCACGGGCGGC-3'